The following is an entry in ClinVar:

NM_003036.4(SKI):c.511G>A (p.Ala171Thr)

Gene: SKI (SKI proto-oncogene; plus strand). Cytogenetic location: 1p36.33.
Variant type: single nucleotide variant.
Coding change: c.511G>A on transcript NM_003036.4 (MANE Select); coding-DNA position 511, G replaced by A.
Protein change: p.Ala171Thr; replaces alanine 171 with threonine.
Molecular consequence: missense variant.
Genome position (GRCh38, 1-based): chr1:2,229,277, G>A. VCF-style: chr1-2229277-G-A. GRCh37 (hg19) VCF-style: chr1-2160716-G-A.
Other names: short protein forms A171T.
Identifiers: ClinVar variation 450852 (VCV000450852.3), dbSNP rs762117658, ClinGen allele CA536404.
Genomic context (GRCh38, chr1:2,229,277, plus strand): 5'-TCGCGCTGCACGGCCGACCAGCTGGAGATCCTCAAAGTCATGGGCATCCTGCCCTTCTCG[G>A]CGCCCTCGTGCGGGCTCATCACCAAGACGGACGCCGAGCGCCTGTGCAACGCGCTGCTCT-3'
Protein context (NP_003027.1, residues 161-181): LKVMGILPFS[Ala171Thr]PSCGLITKTD

ClinVar aggregate classification (germline): Uncertain significance. Review status: criteria provided, multiple submitters, no conflicts (2 of 4 stars). 2 submissions from 2 submitters: Uncertain significance (2). Last evaluated 2025-02-19.

Conditions:
Shprintzen-Goldberg syndrome (SGS). Also called: CRANIOSYNOSTOSIS WITH ARACHNODACTYLY AND ABDOMINAL HERNIAS; Marfanoid disorder with craniosynostosis type 1; Marfanoid craniosynostosis syndrome; Shprintzen-Goldberg marfanoid syndrome; SHPRINTZEN-GOLDBERG CRANIOSYNOSTOSIS SYNDROME. Identifiers: Orphanet 2462, MedGen C1321551, MONDO:0008426, OMIM 182212.

Allele frequency attached by ClinVar (database versions not stated): gnomAD exomes below 0.00001; ExAC 0.00002.

Submissions (2):

Labcorp Genetics (formerly Invitae), Labcorp
Classification: Uncertain significance for Shprintzen-Goldberg syndrome. Last evaluated: 2025-02-19. Review status: criteria provided, single submitter. Criteria: Invitae Variant Classification Sherloc (09022015). Collection method: clinical testing. Allele origin: germline.
Comment: This sequence change replaces alanine, which is neutral and non-polar, with threonine, which is neutral and polar, at codon 171 of the SKI protein (p.Ala171Thr). This variant is not present in population databases (gnomAD no frequency). This variant has not been reported in the literature in individuals affected with SKI-related conditions. ClinVar contains an entry for this variant (Variation ID: 450852). Invitae Evidence Modeling of protein sequence and biophysical properties (such as structural, functional, and spatial information, amino acid conservation, physicochemical variation, residue mobility, and thermodynamic stability) indicates that this missense variant is expected to disrupt SKI protein function with a positive predictive value of 95%. In summary, the available evidence is currently insufficient to determine the role of this variant in disease. Therefore, it has been classified as a Variant of Uncertain Significance.

GeneDx
Classification: Uncertain significance. Last evaluated: 2018-04-16. Review status: criteria provided, single submitter. Criteria: GeneDx Variant Classification (06012015). Collection method: clinical testing. Allele origin: germline. Affected: yes.
Comment: The A171T variant of uncertain significance in the SKI gene has not been published as pathogenic or been reported as benign to our knowledge. This variant is not observed at any significant frequency in large population cohorts (Lek et al., 2016; 1000 Genomes Consortium et al., 2015; Exome Variant Server). The A171T variant is a non-conservative amino acid substitution, which is likely to impact secondary protein structure as these residues differ in polarity, charge, size and/or other properties. Moreover, this substitution occurs at a position that is conserved across species and in silico analysis predicts this variant is probably damaging to the protein structure/function. Nevertheless, this variant has not been observed in a significant number of affected individuals and it lacks both segregation and functional studies which would further clarify its pathogenicity. Therefore, additional evidence is needed to determine whether this variant is pathogenic or benign.